The following is an entry in ClinVar:

NM_005901.6(SMAD2):c.913C>A (p.Pro305Thr)

Gene: SMAD2 (SMAD family member 2; minus strand). Cytogenetic location: 18q21.1.
Variant type: single nucleotide variant.
Coding change: c.913C>A on transcript NM_005901.6 (MANE Select); coding-DNA position 913, C replaced by A.
Protein change: p.Pro305Thr; replaces proline 305 with threonine.
Molecular consequence: missense variant.
Genome position (GRCh38, 1-based): chr18:47,848,559, G>T on the plus strand (C>A on the coding strand, the complement: SMAD2 is on the minus strand). VCF-style: chr18-47848559-G-T. GRCh37 (hg19) VCF-style: chr18-45374930-G-T.
Other names: c.913C>A, p.Pro305Thr (NM_001003652.4); c.823C>A, p.Pro275Thr (NM_001135937.3); short protein forms P275T, P305T.
Identifiers: ClinVar variation 4075608 (VCV004075608.1).

ClinVar aggregate classification (germline): Uncertain significance (1 of 4 stars; one submission).

Submission:

GeneDx
Classification: Uncertain significance. Last evaluated: 2025-02-17. Review status: criteria provided, single submitter. Criteria: GeneDx Variant Classification Process June 2021. Collection method: clinical testing. Allele origin: germline. Affected: yes.
Comment: Not observed at significant frequency in large population cohorts (gnomAD); In silico analysis supports that this missense variant has a deleterious effect on protein structure/function; Has not been previously published as pathogenic or benign to our knowledge